The following is an entry in ClinVar:

ClinVar aggregate classification (germline): Uncertain significance (1 of 4 stars; one submission).

gnomAD v4.1: 1 of 1,613,804 alleles (0.000062%); highest among the groups gnomAD compares: East Asian, 0.0022%; no homozygotes.

Submission:

GeneDx
Classification: Uncertain significance. Last evaluated: 2025-02-05. Review status: criteria provided, single submitter. Criteria: GeneDx Variant Classification Process June 2021. Collection method: clinical testing. Allele origin: germline. Affected: yes.
Comment: Not observed at significant frequency in large population cohorts (gnomAD); In silico analysis supports that this missense variant has a deleterious effect on protein structure/function; Has not been previously published as pathogenic or benign to our knowledge

NM_015001.3(SPEN):c.8165C>T (p.Pro2722Leu)

Gene: SPEN (spen family transcriptional repressor; plus strand). Cytogenetic location: 1p36.13.
Variant type: single nucleotide variant.
Coding change: c.8165C>T on transcript NM_015001.3 (MANE Select); coding-DNA position 8165, C replaced by T.
Protein change: p.Pro2722Leu; replaces proline 2722 with leucine.
Molecular consequence: missense variant.
Genome position (GRCh38, 1-based): chr1:15,934,405, C>T. VCF-style: chr1-15934405-C-T. GRCh37 (hg19) VCF-style: chr1-16260900-C-T.
Other names: short protein forms P2722L.
Identifiers: ClinVar variation 4074385 (VCV004074385.1).